The following is an entry in ClinVar:

ClinVar aggregate classification (germline): Uncertain significance (1 of 4 stars; one submission).

Conditions:
Brugada syndrome. Also called: Sudden unexplained nocturnal death syndrome; Sudden unexpected nocturnal death syndrome; Sudden Unexplained Death Syndrome; Sudden Unexplained Nocturnal Death Syndrome (SUNDS). Identifiers: Orphanet 130, MedGen C1142166, MONDO:0015263.

Submission:

Labcorp Genetics (formerly Invitae), Labcorp
Classification: Uncertain significance for Brugada syndrome. Last evaluated: 2025-02-12. Review status: criteria provided, single submitter. Criteria: Invitae Variant Classification Sherloc (09022015). Collection method: clinical testing. Allele origin: germline.
Comment: This sequence change replaces asparagine, which is neutral and polar, with lysine, which is basic and polar, at codon 2 of the KCNE5 protein (p.Asn2Lys). This variant is not present in population databases (gnomAD no frequency). This variant has not been reported in the literature in individuals affected with KCNE5-related conditions. An algorithm developed to predict the effect of missense changes on protein structure and function (PolyPhen-2) suggests that this variant is likely to be disruptive. In summary, the available evidence is currently insufficient to determine the role of this variant in disease. Therefore, it has been classified as a Variant of Uncertain Significance.

NM_012282.4(KCNE5):c.6C>G (p.Asn2Lys)

Gene: KCNE5 (potassium voltage-gated channel subfamily E regulatory subunit 5; minus strand). Cytogenetic location: Xq23.
Variant type: single nucleotide variant.
Coding change: c.6C>G on transcript NM_012282.4 (MANE Select); coding-DNA position 6, C replaced by G.
Protein change: p.Asn2Lys; replaces asparagine 2 with lysine.
Molecular consequence: missense variant.
Genome position (GRCh38, 1-based): chrX:109,625,015, G>C on the plus strand (C>G on the coding strand, the complement: KCNE5 is on the minus strand). VCF-style: chrX-109625015-G-C. GRCh37 (hg19) VCF-style: chrX-108868244-G-C.
Other names: short protein forms N2K.
Identifiers: ClinVar variation 4712944 (VCV004712944.1).